The following is an entry in ClinVar:

NM_000321.3(RB1):c.876T>A (p.Tyr292Ter)

Gene: RB1 (RB transcriptional corepressor 1; plus strand). Cytogenetic location: 13q14.2.
Variant type: single nucleotide variant.
Coding change: c.876T>A on transcript NM_000321.3 (MANE Select); coding-DNA position 876, T replaced by A.
Protein change: p.Tyr292Ter; replaces tyrosine 292 with a stop codon.
Molecular consequence: nonsense.
Genome position (GRCh38, 1-based): chr13:48,364,908, T>A. VCF-style: chr13-48364908-T-A. GRCh37 (hg19) VCF-style: chr13-48939044-T-A.
Other names: c.876T>A, p.Tyr292Ter (NM_001407165.1, NM_001407166.1); short protein forms Y292*.
Identifiers: ClinVar variation 3236934 (VCV003236934.1), dbSNP rs2138116341.

ClinVar aggregate classification (germline): Pathogenic (1 of 4 stars; one submission).

Conditions:
Retinoblastoma (RB1). Also called: RETINOBLASTOMA, SOMATIC. Identifiers: Orphanet 790, MedGen C0035335, MeSH D012175, MONDO:0008380, OMIM 180200, HP:0009919. Disease mechanism: loss of function. Inheritance: Both sporadic and heritable forms are tested..

Submission:

Genetic Diagnostic Laboratory, University of Pennsylvania School of Medicine
Classification: Pathogenic for Retinoblastoma. Last evaluated: 2024-05-20. Review status: criteria provided, single submitter. Criteria: ACMG Guidelines, 2015. Collection method: clinical testing. Allele origin: germline. Affected: yes. Observed: 1 variant allele.
Comment: Case and Pedigree Information: BILATERAL CASES:1, UNILATERAL CASES:0, TOTAL CASES:1, PEDIGREES:1. ACMG Codes Applied:PVS1, PM2